The following is an entry in ClinVar:

ClinVar aggregate classification (germline): Uncertain significance (1 of 4 stars; one submission).

gnomAD v4.1: 4 of 1,613,748 alleles (0.00025%); highest among the groups gnomAD compares: Admixed American, 0.0033%; no homozygotes.

Submission:

Labcorp Genetics (formerly Invitae), Labcorp
Classification: Uncertain significance. Last evaluated: 2024-08-31. Review status: criteria provided, single submitter. Criteria: Invitae Variant Classification Sherloc (09022015). Collection method: clinical testing. Allele origin: germline.
Comment: This sequence change replaces serine, which is neutral and polar, with asparagine, which is neutral and polar, at codon 37 of the POLG2 protein (p.Ser37Asn). This variant is present in population databases (rs782746699, gnomAD 0.003%). This variant has not been reported in the literature in individuals affected with POLG2-related conditions. An algorithm developed to predict the effect of missense changes on protein structure and function (PolyPhen-2) suggests that this variant is likely to be tolerated. In summary, the available evidence is currently insufficient to determine the role of this variant in disease. Therefore, it has been classified as a Variant of Uncertain Significance.

NM_007215.4(POLG2):c.110G>A (p.Ser37Asn)

Genes: MILR1 (mast cell immunoglobulin like receptor 1; plus strand), POLG2 (DNA polymerase gamma 2, accessory subunit; minus strand). Cytogenetic location: 17q23.3.
Variant type: single nucleotide variant.
Coding change: c.110G>A on transcript NM_007215.4 (MANE Select); coding-DNA position 110, G replaced by A.
Protein change: p.Ser37Asn; replaces serine 37 with asparagine.
Molecular consequence: missense variant.
Genome position (GRCh38, 1-based): chr17:64,496,859, C>T on the plus strand (G>A on the coding strand, the complement: POLG2 is on the minus strand). VCF-style: chr17-64496859-C-T. GRCh37 (hg19) VCF-style: chr17-62492977-C-T.
Other names: short protein forms S37N.
Identifiers: ClinVar variation 3608759 (VCV003608759.2).